The following is an entry in ClinVar:

ClinVar aggregate classification (germline): Uncertain significance (1 of 4 stars; one submission).

Conditions:
EAST syndrome (SESAMES). Also called: SEIZURES, SENSORINEURAL DEAFNESS, ATAXIA, IMPAIRED INTELLECTUAL DEVELOPMENT, AND ELECTROLYTE IMBALANCE. Identifiers: Orphanet 199343, MedGen C2748572, MONDO:0013005, OMIM 612780.

Allele frequency attached by ClinVar (database versions not stated): gnomAD 0.00001; TOPMed 0.00001; ExAC 0.00002; 1000 Genomes Project 30x 0.00016; 1000 Genomes Project 0.00020.
gnomAD v4.1: 17 of 1,614,138 alleles (0.0011%); highest among the groups gnomAD compares: East Asian, 0.0022%; no homozygotes.

Submission:

Labcorp Genetics (formerly Invitae), Labcorp
Classification: Uncertain significance for EAST syndrome. Last evaluated: 2022-08-19. Review status: criteria provided, single submitter. Criteria: Invitae Variant Classification Sherloc (09022015). Collection method: clinical testing. Allele origin: germline.
Comment: This variant is present in population databases (rs201907875, gnomAD 0.004%). This sequence change replaces arginine, which is basic and polar, with histidine, which is basic and polar, at codon 48 of the KCNJ10 protein (p.Arg48His). This variant has not been reported in the literature in individuals affected with KCNJ10-related conditions. In summary, the available evidence is currently insufficient to determine the role of this variant in disease. Therefore, it has been classified as a Variant of Uncertain Significance. Algorithms developed to predict the effect of missense changes on protein structure and function are either unavailable or do not agree on the potential impact of this missense change (SIFT: "Tolerated"; PolyPhen-2: "Possibly Damaging"; Align-GVGD: "Class C0").

NM_002241.5(KCNJ10):c.143G>A (p.Arg48His)

Gene: KCNJ10 (potassium inwardly rectifying channel subfamily J member 10; minus strand). Cytogenetic location: 1q23.2.
Variant type: single nucleotide variant.
Coding change: c.143G>A on transcript NM_002241.5 (MANE Select); coding-DNA position 143, G replaced by A.
Protein change: p.Arg48His; replaces arginine 48 with histidine.
Molecular consequence: missense variant.
Genome position (GRCh38, 1-based): chr1:160,042,390, C>T on the plus strand (G>A on the coding strand, the complement: KCNJ10 is on the minus strand). VCF-style: chr1-160042390-C-T. GRCh37 (hg19) VCF-style: chr1-160012180-C-T.
Other names: short protein forms R48H.
Identifiers: ClinVar variation 2428031 (VCV002428031.8), dbSNP rs201907875, ClinGen allele CA1193288.